The following is an entry in ClinVar:

ClinVar aggregate classification (germline): Conflicting classifications of pathogenicity. Review status: criteria provided, conflicting classifications (1 of 4 stars). 12 submissions from 12 submitters: Uncertain significance (2); Benign (4); Likely benign (5). 1 of the submissions does not count toward it. Last evaluated 2026-08-01.

Conditions:
Familial hypercholesterolemia. Also called: Familial hypercholesterolemias; Familial hypercholesterolaemia. Identifiers: MedGen C0020445, MONDO:0005439.
Cardiovascular phenotype. Identifiers: MedGen CN230736.
Hypercholesterolemia, autosomal dominant, type B (FHCL2). Also called: Hyperlipoproteinemia Type IIb; Familial hypercholesterolemia 2; APOB-Related Familial Hypercholesterolemia, Autosomal Dominant; HYPERCHOLESTEROLEMIA, FAMILIAL, DUE TO LIGAND-DEFECTIVE APOLIPOPROTEIN B; Familial Hypercholesterolemia Type B; APOLIPOPROTEIN B-100, FAMILIAL DEFECTIVE. Identifiers: MedGen C1704417, MONDO:0007751, OMIM 144010.
Familial hypobetalipoproteinemia 1. Also called: APOB-Related Familial Hypobetalipoproteinemia; Hypobetalipoproteinemia, normotriglyceridemic; Acanthocytosis with hypobetalipoproteinemia. Identifiers: MedGen C4551990, MONDO:0014252, OMIM 615558.
Hypercholesterolemia, familial, 1. Also called: LDL RECEPTOR DISORDER; Hyperlipoproteinemia Type IIa; HYPER-LOW-DENSITY-LIPOPROTEINEMIA; HYPERCHOLESTEROLEMIC XANTHOMATOSIS, FAMILIAL; Fredrickson type IIa hyperlipoproteinemia; Hyperlipoproteinemia type 2. Identifiers: Orphanet 391665, MedGen C0745103, MONDO:0007750, OMIM 143890.

Allele frequency attached by ClinVar (database versions not stated): ExAC 0.00081; 1000 Genomes Project 0.00180; 1000 Genomes Project 30x 0.00219; gnomAD 0.00256; ESP Exome Variant Server 0.00269; TOPMed 0.00281.
gnomAD v4.1: 764 of 1,614,056 alleles (0.047%); highest among the groups gnomAD compares: African/African-American, 0.92%; 2 homozygotes.

Submissions (12):

CeGaT Center for Human Genetics Tuebingen
Classification: Likely benign. Last evaluated: 2026-08-01. Review status: criteria provided, single submitter. Criteria: CeGaT Center For Human Genetics Tuebingen Variant Classification Criteria Version 2. Collection method: clinical testing. Allele origin: germline. Affected: yes. Observed: 3 variant alleles.
Comment: APOB: BP4

Labcorp Genetics (formerly Invitae), Labcorp
Classification: Benign for Familial hypobetalipoproteinemia 1; Hypercholesterolemia, autosomal dominant, type B. Last evaluated: 2026-01-16. Review status: criteria provided, single submitter. Criteria: Invitae Variant Classification Sherloc (09022015). Collection method: clinical testing. Allele origin: germline.

Mayo Clinic Laboratories, Mayo Clinic
Classification: Likely benign. Last evaluated: 2025-04-16. Review status: criteria provided, single submitter. Criteria: ACMG Guidelines, 2015. Collection method: clinical testing. Allele origin: germline. Observed: 5 variant alleles.

ARUP Laboratories, Molecular Genetics and Genomics, ARUP Laboratories
Classification: Likely benign. Last evaluated: 2024-04-29. Review status: criteria provided, single submitter. Criteria: ARUP Molecular Germline Variant Investigation Process 2024. Collection method: clinical testing. Allele origin: germline.

Women's Health and Genetics/Laboratory Corporation of America, LabCorp
Classification: Likely benign. Last evaluated: 2024-03-30. Review status: criteria provided, single submitter. Criteria: LabCorp Variant Classification Summary - May 2015. Collection method: clinical testing. Allele origin: germline.

GENinCode PLC
Classification: Benign for Familial hypercholesterolemia. Last evaluated: 2023-11-06. Review status: criteria provided, single submitter. Criteria: ACMG Guidelines, 2015. Collection method: clinical testing. Allele origin: germline.

Quest Diagnostics Nichols Institute San Juan Capistrano
Classification: Benign. Last evaluated: 2022-01-13. Review status: criteria provided, single submitter. Criteria: Quest Diagnostics criteria. Collection method: clinical testing. Allele origin: unknown.

Molecular Diagnostic Laboratory for Inherited Cardiovascular Disease, Montreal Heart Institute
Classification: Benign. Last evaluated: 2020-01-23. Review status: criteria provided, single submitter. Criteria: ACMG Guidelines, 2015. Collection method: clinical testing. Allele origin: germline. Affected: yes.

Ambry Genetics
Classification: Likely benign for Cardiovascular phenotype. Last evaluated: 2018-12-03. Review status: criteria provided, single submitter. Criteria: Ambry Variant Classification Scheme 2023. Collection method: clinical testing. Allele origin: germline.

Laboratory of Genetics and Molecular Cardiology, University of São Paulo
Classification: Uncertain significance for Familial hypercholesterolemia. Last evaluated: 2016-03-01. Review status: criteria provided, single submitter. Criteria: ACMG Guidelines, 2015. Collection method: research. Allele origin: germline. Study: HipercolBrasil.

Robarts Research Institute, Western University
Classification: Uncertain significance for Hypercholesterolemia, familial, 1. Review status: criteria provided, single submitter. Criteria: Wang et al. (Arterioscler Thromb Vasc Biol. 2016). Collection method: clinical testing. Allele origin: germline. Inheritance: Autosomal dominant inheritance. Affected: yes. Observed: 1 variant allele.

Laboratorium voor Moleculaire Diagnostiek Experimentele Vasculaire Geneeskunde, Academisch Medisch Centrum
Classification: Pathogenic for Familial hypercholesterolemia. Review status: flagged submission. Collection method: research. Allele origin: germline. Not counted in ClinVar's aggregate classification.
ClinVar note: Reason: Outlier claim with insufficient supporting evidence

Literature cited by the submitters: PubMed 35047021 (cited by Mayo Clinic Laboratories, Mayo Clinic); PubMed 23064986 (cited by Women's Health and Genetics/Laboratory Corporation of America, LabCorp and Quest Diagnostics Nichols Institute San Juan Capistrano); PubMed 23833242 (cited by Women's Health and Genetics/Laboratory Corporation of America, LabCorp and Quest Diagnostics Nichols Institute San Juan Capistrano); PubMed 19602640 (cited by Quest Diagnostics Nichols Institute San Juan Capistrano); PubMed 31135820 (cited by Quest Diagnostics Nichols Institute San Juan Capistrano).

NM_000384.3(APOB):c.10780T>C (p.Trp3594Arg)

Gene: APOB (apolipoprotein B; minus strand). Cytogenetic location: 2p24.1.
Variant type: single nucleotide variant.
Coding change: c.10780T>C on transcript NM_000384.3 (MANE Select); coding-DNA position 10780, T replaced by C.
Protein change: p.Trp3594Arg; replaces tryptophan 3594 with arginine.
Molecular consequence: missense variant.
Genome position (GRCh38, 1-based): chr2:21,006,088, A>G on the plus strand (T>C on the coding strand, the complement: APOB is on the minus strand). VCF-style: chr2-21006088-A-G. GRCh37 (hg19) VCF-style: chr2-21228960-A-G.
Other names: p.Trp3594Arg; short protein forms W3594R.
Identifiers: ClinVar variation 369881 (VCV000369881.30), dbSNP rs61744288, ClinGen allele CA044804.